The following is an entry in ClinVar:

NM_000352.6(ABCC8):c.1106A>G (p.Gln369Arg)

Gene: ABCC8 (ATP binding cassette subfamily C member 8; minus strand). Cytogenetic location: 11p15.1.
Variant type: single nucleotide variant.
Coding change: c.1106A>G on transcript NM_000352.6 (MANE Select); coding-DNA position 1106, A replaced by G.
Protein change: p.Gln369Arg; replaces glutamine 369 with arginine.
Molecular consequence: missense variant. On other transcripts: non-coding transcript variant (1).
Genome position (GRCh38, 1-based): chr11:17,453,189, T>C on the plus strand (A>G on the coding strand, the complement: ABCC8 is on the minus strand). VCF-style: chr11-17453189-T-C. GRCh37 (hg19) VCF-style: chr11-17474736-T-C.
Other names: c.1106A>G, p.Gln369Arg (NM_001287174.3, NM_001351295.2); c.1103A>G, p.Gln368Arg (NM_001351296.2, NM_001351297.2); short protein forms Q368R, Q369R.
Identifiers: ClinVar variation 804488 (VCV000804488.2), dbSNP rs756808492, ClinGen allele CA5903671.

ClinVar aggregate classification (germline): Uncertain significance. Review status: criteria provided, multiple submitters, no conflicts (2 of 4 stars). 3 submissions from 2 submitters: Uncertain significance (3). Last evaluated 2019-06-04.

Conditions:
Maturity-onset diabetes of the young (MODY). Also called: Maturity onset diabetes mellitus in young. Identifiers: Orphanet 552, MedGen C0342276, MONDO:0018911, HP:0004904.
Transitory neonatal diabetes mellitus. Also called: Transient neonatal diabetes mellitus. Identifiers: MedGen C0342273, MONDO:0020525, HP:0008255.

Allele frequency attached by ClinVar (database versions not stated): gnomAD exomes below 0.00001 and 0.00001; TOPMed below 0.00001; ExAC 0.00001.
gnomAD v4.1: 4 of 1,614,206 alleles (0.00025%); highest among the groups gnomAD compares: East Asian, 0.0067%; no homozygotes.

Submissions (3):

Athena Diagnostics
Classification: Uncertain significance. Last evaluated: 2019-06-04. Review status: criteria provided, single submitter. Criteria: Athena Diagnostics Criteria. Collection method: clinical testing. Allele origin: germline.

Clinical Genomics, Uppaluri K&H Personalized Medicine Clinic
Classification: Uncertain significance for Maturity-onset diabetes of the young. Review status: criteria provided, single submitter. Criteria: K & H Uppaluri Personalized Medicine Clinic Variant Classification & Assertion Criteria_Updated V.1. Collection method: research. Allele origin: unknown. Inheritance: Autosomal dominant inheritance.
Comment: Mutations in ABCC8 gene are associated with both neonatal diabetes mellitus as well as MODY. Patients with this mutation may have a better response to sulfonylureas. However, no sufficient evidence is found to ascertain the role of this particular variant ( rs756808492) in MODY yet.

Clinical Genomics, Uppaluri K&H Personalized Medicine Clinic
Classification: Uncertain significance for Transitory neonatal diabetes mellitus. Review status: criteria provided, single submitter. Criteria: K & H Uppaluri Personalized Medicine Clinic Variant Classification & Assertion Criteria_Updated V.1. Collection method: research. Allele origin: unknown.
Comment: Mutations in ABCC8 gene are associated with both neonatal diabetes mellitus as well as MODY. Patients with this mutation may have a better response to sulfonylureas. However, no sufficient evidence is found to ascertain the role of this particular variant ( rs756808492) in neonatal diabetes yet.

Literature cited by the submitters: PubMed 16885549 (cited by Clinical Genomics, Uppaluri K&H Personalized Medicine Clinic); PubMed 21989597 (cited by Clinical Genomics, Uppaluri K&H Personalized Medicine Clinic); PubMed 27538677 (cited by Clinical Genomics, Uppaluri K&H Personalized Medicine Clinic); PubMed 18981553 (cited by Clinical Genomics, Uppaluri K&H Personalized Medicine Clinic); PubMed 32027066 (cited by Clinical Genomics, Uppaluri K&H Personalized Medicine Clinic); PubMed 16613899 (cited by Clinical Genomics, Uppaluri K&H Personalized Medicine Clinic); PubMed 18025408 (cited by Clinical Genomics, Uppaluri K&H Personalized Medicine Clinic); PubMed 32792356 (cited by Clinical Genomics, Uppaluri K&H Personalized Medicine Clinic).